The following is an entry in ClinVar:

NM_001035.3(RYR2):c.14721C>T (p.Thr4907=)

Gene: RYR2 (ryanodine receptor 2; plus strand). Cytogenetic location: 1q43.
Variant type: single nucleotide variant.
Coding change: c.14721C>T on transcript NM_001035.3 (MANE Select); coding-DNA position 14721, C replaced by T.
Protein change: p.Thr4907=; no amino-acid change (threonine 4907 retained).
Molecular consequence: synonymous variant.
Genome position (GRCh38, 1-based): chr1:237,830,595, C>T. VCF-style: chr1-237830595-C-T. GRCh37 (hg19) VCF-style: chr1-237993895-C-T.
Identifiers: ClinVar variation 754388 (VCV000754388.17), dbSNP rs766261818, ClinGen allele CA085722.

ClinVar aggregate classification (germline): Likely benign. Review status: criteria provided, multiple submitters, no conflicts (2 of 4 stars). 5 submissions from 5 submitters: Likely benign (5). Last evaluated 2026-01-03.

Conditions:
Catecholaminergic polymorphic ventricular tachycardia 1. Also called: RYR2-Related Catecholaminergic Polymorphic Ventricular Tachycardia; VENTRICULAR TACHYCARDIA, STRESS-INDUCED POLYMORPHIC 1; VENTRICULAR TACHYCARDIA, CATECHOLAMINERGIC POLYMORPHIC, 1, WITH OR WITHOUT ATRIAL DYSFUNCTION AND/OR DILATED CARDIOMYOPATHY. Identifiers: Orphanet 3286, MedGen C1631597, MONDO:0011484, OMIM 604772.
Cardiovascular phenotype. Identifiers: MedGen CN230736.
Catecholaminergic polymorphic ventricular tachycardia (CVPT). Also called: Catecholamine-induced polymorphic ventricular tachycardia. Identifiers: Orphanet 3286, MedGen C5574922, MONDO:0017990.
Cardiomyopathy (CMYO). Also called: Cardiomyopathies. Identifiers: Orphanet 167848, MedGen C0878544, MONDO:0004994, HP:0001638. Inheritance: Various modes of inheritance.

Allele frequency attached by ClinVar (database versions not stated): gnomAD exomes below 0.00001 and 0.00001; ExAC 0.00001; gnomAD 0.00001 and 0.00002; TOPMed 0.00001.
gnomAD v4.1: 19 of 1,609,490 alleles (0.0012%); highest among the groups gnomAD compares: Non-Finnish European, 0.0016%; no homozygotes.

Submissions (5):

Labcorp Genetics (formerly Invitae), Labcorp
Classification: Likely benign for Catecholaminergic polymorphic ventricular tachycardia 1. Last evaluated: 2026-01-03. Review status: criteria provided, single submitter. Criteria: Invitae Variant Classification Sherloc (09022015). Collection method: clinical testing. Allele origin: germline.

Women's Health and Genetics/Laboratory Corporation of America, LabCorp
Classification: Likely benign. Last evaluated: 2025-06-26. Review status: criteria provided, single submitter. Criteria: LabCorp Variant Classification Summary - May 2015. Collection method: clinical testing. Allele origin: germline.

All of Us Research Program, National Institutes of Health
Classification: Likely benign for Catecholaminergic polymorphic ventricular tachycardia. Last evaluated: 2023-06-15. Review status: criteria provided, single submitter. Criteria: ACMG Guidelines, 2015. Collection method: clinical testing. Allele origin: germline. Inheritance: Autosomal dominant inheritance. Observed: 1 variant allele, 1 heterozygote.
Comment: This study involves interpretation of variants in research participants for the purpose of population health screening. Participant phenotype was not available at the time of variant classification. Additional details can be found in publication PMID: 35346344, PMCID: PMC8962531

Ambry Genetics
Classification: Likely benign for Cardiovascular phenotype. Last evaluated: 2021-05-10. Review status: criteria provided, single submitter. Criteria: Ambry Variant Classification Scheme 2023. Collection method: clinical testing. Allele origin: germline.

Color Diagnostics, LLC DBA Color Health
Classification: Likely benign for Cardiomyopathy. Last evaluated: 2018-12-16. Review status: criteria provided, single submitter. Criteria: ACMG Guidelines, 2015. Collection method: clinical testing. Allele origin: germline.